The following is an entry in ClinVar:

NM_004006.3(DMD):c.5949G>A (p.Met1983Ile)

Gene: DMD (dystrophin; minus strand). Cytogenetic location: Xp21.1.
Variant type: single nucleotide variant.
Coding change: c.5949G>A on transcript NM_004006.3 (MANE Select); coding-DNA position 5949, G replaced by A.
Protein change: p.Met1983Ile; replaces methionine 1983 with isoleucine.
Molecular consequence: missense variant.
Genome position (GRCh38, 1-based): chrX:32,310,250, C>T on the plus strand (G>A on the coding strand, the complement: DMD is on the minus strand). VCF-style: chrX-32310250-C-T. GRCh37 (hg19) VCF-style: chrX-32328367-C-T.
Other names: c.5925G>A, p.Met1975Ile (NM_000109.4); c.5937G>A, p.Met1979Ile (NM_004009.3); c.5580G>A, p.Met1860Ile (NM_004010.3); c.1926G>A, p.Met642Ile (NM_004011.4); c.1917G>A, p.Met639Ile (NM_004012.4); short protein forms M1983I, M1979I, M639I, M642I, M1975I, M1860I.
Identifiers: ClinVar variation 384897 (VCV000384897.1), dbSNP rs1057522070, ClinGen allele CA16609175.

ClinVar aggregate classification (germline): Likely benign (1 of 4 stars; one submission).

Allele frequency attached by ClinVar (database versions not stated): gnomAD exomes below 0.00001; TOPMed below 0.00001; gnomAD 0.00001.

Submission:

GeneDx
Classification: Likely benign. Last evaluated: 2016-03-17. Review status: criteria provided, single submitter. Criteria: GeneDx Variant Classification (06012015). Collection method: clinical testing. Allele origin: germline. Affected: yes.
Comment: This variant is considered likely benign or benign based on one or more of the following criteria: it is a conservative change, it occurs at a poorly conserved position in the protein, it is predicted to be benign by multiple in silico algorithms, and/or has population frequency not consistent with disease.